The following is an entry in ClinVar:

ClinVar aggregate classification (germline): Uncertain significance (1 of 4 stars; one submission).

Conditions:
Neurodevelopmental disorder with dysmorphic facies and thin corpus callosum. Identifiers: MedGen C5551361, MONDO:0859179, OMIM 619480.

Submission:

Dasa
Classification: Uncertain significance for Neurodevelopmental disorder with dysmorphic facies and thin corpus callosum. Last evaluated: 2024-12-12. Review status: criteria provided, single submitter. Criteria: DASA Assertion Criteria. Collection method: clinical testing. Allele origin: germline.
Comment: NM_007192.4(SUPT16H):c.136T>G (p.Tyr46Asp) is a missense variant that results in the substitution of tyrosine with aspartic acid. This variant is absent from population databases. Computational prediction algorithms are consistent with a deleterious effect. The currently available literature and clinical evidence are not sufficient to establish a definitive association between this variant and the reported condition. Therefore, this variant is classified as a variant of uncertain significance.

NM_007192.4(SUPT16H):c.136T>G (p.Tyr46Asp)

Gene: SUPT16H (SPT16 homolog, facilitates chromatin remodeling subunit; minus strand). Cytogenetic location: 14q11.2.
Variant type: single nucleotide variant.
Coding change: c.136T>G on transcript NM_007192.4 (MANE Select); coding-DNA position 136, T replaced by G.
Protein change: p.Tyr46Asp; replaces tyrosine 46 with aspartic acid.
Molecular consequence: missense variant.
Genome position (GRCh38, 1-based): chr14:21,373,361, A>C on the plus strand (T>G on the coding strand, the complement: SUPT16H is on the minus strand). VCF-style: chr14-21373361-A-C. GRCh37 (hg19) VCF-style: chr14-21841520-A-C.
Other names: short protein forms Y46D.
Identifiers: ClinVar variation 4882985 (VCV004882985.2).